The following is an entry in ClinVar:

NM_006361.6(HOXB13):c.242G>C (p.Gly81Ala)

Gene: HOXB13 (homeobox B13; minus strand). Cytogenetic location: 17q21.32.
Variant type: single nucleotide variant.
Coding change: c.242G>C on transcript NM_006361.6 (MANE Select); coding-DNA position 242, G replaced by C.
Protein change: p.Gly81Ala; replaces glycine 81 with alanine.
Molecular consequence: missense variant.
Genome position (GRCh38, 1-based): chr17:48,728,352, C>G on the plus strand (G>C on the coding strand, the complement: HOXB13 is on the minus strand). VCF-style: chr17-48728352-C-G. GRCh37 (hg19) VCF-style: chr17-46805714-C-G.
Other names: short protein forms G81A.
Identifiers: ClinVar variation 5022700 (VCV005022700.1).

ClinVar aggregate classification (germline): Uncertain significance (1 of 4 stars; one submission).

Conditions:
Hereditary cancer-predisposing syndrome. Also called: Neoplastic Syndromes, Hereditary; Tumor predisposition; Hereditary neoplastic syndrome; Hereditary Cancer Syndrome. Identifiers: Orphanet 140162, MedGen C0027672, MeSH D009386, MONDO:0015356.

Submission:

Ambry Genetics
Classification: Uncertain significance for Hereditary cancer-predisposing syndrome. Last evaluated: 2026-07-11. Review status: criteria provided, single submitter. Criteria: Ambry Variant Classification Scheme 2023. Collection method: clinical testing. Allele origin: germline.
Comment: The p.G81A variant (also known as c.242G>C), located in coding exon 1 of the HOXB13 gene, results from a G to C substitution at nucleotide position 242. The glycine at codon 81 is replaced by alanine, an amino acid with similar properties. This amino acid position is conserved. In addition, this alteration is predicted to be tolerated by in silico analysis. Based on the available evidence, the clinical significance of this variant remains unclear.